The following is an entry in ClinVar:

ClinVar aggregate classification (germline): Pathogenic. Review status: criteria provided, multiple submitters, no conflicts (2 of 4 stars). 4 submissions from 4 submitters: Pathogenic (3). 1 of the submissions does not count toward it. Last evaluated 2024-06-27.

Conditions:
Leber congenital amaurosis 2 (LCA2). Also called: Autosomal Recessive RPE65-Related Retinal Degeneration; AMAUROSIS CONGENITA OF LEBER II. Identifiers: Orphanet 65, MedGen C1859844, MONDO:0008765, OMIM 204100. Disease mechanism: loss of function.
Retinitis pigmentosa 20 (RP20). Identifiers: Orphanet 791, MedGen C3151086, MONDO:0013425, OMIM 613794.
Leber congenital amaurosis (LCA). Also called: Leber's amaurosis. Identifiers: Orphanet 65, MedGen C0339527, MeSH D057130, MONDO:0018998.

Allele frequency attached by ClinVar (database versions not stated): gnomAD exomes below 0.00001.
gnomAD v4.1: 2 of 1,614,046 alleles (0.00012%); highest among the groups gnomAD compares: East Asian, 0.0022%; no homozygotes.

Submissions (4):

Natera, Inc.
Classification: Pathogenic for Leber congenital amaurosis. Last evaluated: 2024-06-27. Review status: criteria provided, single submitter. Criteria: Natera Variant Classification Schema (03/2026). Collection method: clinical testing. Allele origin: germline.
Comment: The c.858+1G>T variant in RPE65 is a canonical splice donor site variant predicted to affect pre-mRNA splicing, which may result in an abnormal transcript and altered protein product. This variant is expected to result in nonsense mediated decay, truncation, or a dysfunctional protein product. This variant is rare in the general population with a frequency below the threshold expected for the associated phenotype(s). This variant has been observed in one or more individuals affected with the associated recessive disease, as either homozygous or compound heterozygous with a second variant (PMID: 26147992). Another variant at this same site results in an alteration predicted to cause a similar molecular effect has been observed in individual(s) with the associated phenotype. Given the available evidence, this variant is classified as Pathogenic.

Labcorp Genetics (formerly Invitae), Labcorp
Classification: Pathogenic for Leber congenital amaurosis 2; Retinitis pigmentosa 20. Last evaluated: 2022-05-27. Review status: criteria provided, single submitter. Criteria: Invitae Variant Classification Sherloc (09022015). Collection method: clinical testing. Allele origin: germline.
Comment: This sequence change affects a donor splice site in intron 8 of the RPE65 gene. It is expected to disrupt RNA splicing. Variants that disrupt the donor or acceptor splice site typically lead to a loss of protein function (PMID: 16199547), and loss-of-function variants in RPE65 are known to be pathogenic (PMID: 9326941, 9501220, 9843205, 18632300). This variant is not present in population databases (gnomAD no frequency). Disruption of this splice site has been observed in individual(s) with autosomal recessive RPE65-related conditions (PMID: 9326941, 18682808, 26147992). It has also been observed to segregate with disease in related individuals. This variant is also known as c.912+1G>T. ClinVar contains an entry for this variant (Variation ID: 98893). Algorithms developed to predict the effect of sequence changes on RNA splicing suggest that this variant may disrupt the consensus splice site. For these reasons, this variant has been classified as Pathogenic.

Illumina Laboratory Services, Illumina
Classification: Pathogenic for Leber congenital amaurosis 2. Last evaluated: 2019-02-07. Review status: criteria provided, single submitter. Criteria: ICSLVariantClassificationCriteria RUGD 01 April 2020. Collection method: clinical testing. Allele origin: unknown.
Comment: The RPE65 c.858+1G>T variant occurs in a canonical splice site (donor) and is therefore predicted to disrupt or distort the normal gene product. The c.858+1G>T variant has been reported in three studies in which it was found in three probands diagnosed with Leber congenital amaurosis; two probands carried the variant in the homozygous state, the third individual was compound heterozygous for the c.858+1G>T and a second missense variant (Gu et al. 1997; Seong et al. 2008; Srilekha et al. 2015). The c.858+1G>T variant was reported to segregate with disease in an autosomal recessive manner in two consanguineous families of Indian descent. Individuals homozygous for the c.858+1G>T variant in these families showed an early onset and severe disease course, with a fundal appearance typical of retinitis pigmentosa. The c.858+1G>T variant was absent from 430 control subjects and is not found in the Genome Aggregation Database, in a region of good sequence coverage, and hence is presumed to be rare. Based on the available evidence, the c.858+1G>T variant is classified as pathogenic for Leber congenital amaurosis.

Retina International
No classification provided. Review status: no classification provided. Collection method: not provided. Allele origin: not provided. Not counted in ClinVar's aggregate classification.

Literature cited by the submitters: PubMed 26147992 (cited by 3 submitters); PubMed 16199547 (cited by Labcorp Genetics (formerly Invitae), Labcorp); PubMed 9326941 (cited by Labcorp Genetics (formerly Invitae), Labcorp and Illumina Laboratory Services, Illumina); PubMed 9501220 (cited by Labcorp Genetics (formerly Invitae), Labcorp); PubMed 9843205 (cited by Labcorp Genetics (formerly Invitae), Labcorp); PubMed 18632300 (cited by Labcorp Genetics (formerly Invitae), Labcorp); PubMed 18682808 (cited by Labcorp Genetics (formerly Invitae), Labcorp and Illumina Laboratory Services, Illumina).

NM_000329.3(RPE65):c.858+1G>T

Gene: RPE65 (retinoid isomerohydrolase RPE65; minus strand). Cytogenetic location: 1p31.3.
Variant type: single nucleotide variant.
Coding change: c.858+1G>T on transcript NM_000329.3 (MANE Select); the canonical splice donor site of the intron after coding-DNA position 858, G replaced by T.
Molecular consequence: splice donor variant.
Genome position (GRCh38, 1-based): chr1:68,439,190, C>A on the plus strand (G>T on the coding strand, the complement: RPE65 is on the minus strand). VCF-style: chr1-68439190-C-A. GRCh37 (hg19) VCF-style: chr1-68904873-C-A.
Other names: c.582+1G>T (NM_001406857.1, NM_001406856.1); c.750+1G>T (NM_001406853.1); c.858+1G>T (NM_001406859.1).
Identifiers: ClinVar variation 98893 (VCV000098893.10), dbSNP rs61752899, ClinGen allele CA226583.